The following is an entry in ClinVar:

NM_000018.4(ACADVL):c.592A>G (p.Lys198Glu)

Gene: ACADVL (acyl-CoA dehydrogenase very long chain; plus strand). Cytogenetic location: 17p13.1.
Variant type: single nucleotide variant.
Coding change: c.592A>G on transcript NM_000018.4 (MANE Select); coding-DNA position 592, A replaced by G.
Protein change: p.Lys198Glu; replaces lysine 198 with glutamic acid.
Molecular consequence: missense variant.
Genome position (GRCh38, 1-based): chr17:7,221,652, A>G. VCF-style: chr17-7221652-A-G. GRCh37 (hg19) VCF-style: chr17-7124971-A-G.
Other names: c.526A>G, p.Lys176Glu (NM_001033859.3); c.661A>G, p.Lys221Glu (NM_001270447.2); c.364A>G, p.Lys122Glu (NM_001270448.2); short protein forms K122E, K198E, K221E, K176E.
Identifiers: ClinVar variation 932793 (VCV000932793.7), dbSNP rs2071233392, ClinGen allele CA397723232.
Genomic context (GRCh38, chr17:7,221,652, plus strand): 5'-CTGGGGGCCCATCAGAGCATCGGTTTCAAAGGCATCCTGCTCTTTGGCACAAAGGCCCAG[A>G]AAGAAAAATACCTCCCCAAGCTGGCATCTGGTGAGGCAACCCTAGGAGAGCCAGGGATTG-3'
Protein context (NP_000009.1, residues 188-208): GILLFGTKAQ[Lys198Glu]EKYLPKLASG

ClinVar aggregate classification (germline): Uncertain significance. Review status: criteria provided, multiple submitters, no conflicts (2 of 4 stars). 2 submissions from 2 submitters: Uncertain significance (2). Last evaluated 2024-04-10.

Conditions:
Very long chain acyl-CoA dehydrogenase deficiency (ACADVLD). Also called: VLCAD Deficiency; Very Long-Chain Acyl-Coenzyme A Dehydrogenase Deficiency. Identifiers: Orphanet 26793, MedGen C3887523, MONDO:0008723, OMIM 201475.

Submissions (2):

Labcorp Genetics (formerly Invitae), Labcorp
Classification: Uncertain significance for Very long chain acyl-CoA dehydrogenase deficiency. Last evaluated: 2024-04-10. Review status: criteria provided, single submitter. Criteria: Invitae Variant Classification Sherloc (09022015). Collection method: clinical testing. Allele origin: germline.
Comment: This sequence change replaces lysine, which is basic and polar, with glutamic acid, which is acidic and polar, at codon 198 of the ACADVL protein (p.Lys198Glu). This variant is not present in population databases (gnomAD no frequency). This variant has not been reported in the literature in individuals affected with ACADVL-related conditions. ClinVar contains an entry for this variant (Variation ID: 932793). Advanced modeling of protein sequence and biophysical properties (such as structural, functional, and spatial information, amino acid conservation, physicochemical variation, residue mobility, and thermodynamic stability) performed at Invitae indicates that this missense variant is expected to disrupt ACADVL protein function with a positive predictive value of 95%. In summary, the available evidence is currently insufficient to determine the role of this variant in disease. Therefore, it has been classified as a Variant of Uncertain Significance.

Wong Mito Lab, Molecular and Human Genetics, Baylor College of Medicine
Classification: Uncertain significance for Very long chain acyl-CoA dehydrogenase deficiency. Last evaluated: 2019-11-01. Review status: criteria provided, single submitter. Criteria: ACMG Guidelines, 2015. Collection method: clinical testing. Allele origin: germline.
Comment: The NM_000018.3:c.592A>G (NP_000009.1:p.Lys198Glu) [GRCH38: NC_000017.11:g.7221652A>G] variant in ACADVL gene is interpretated to be Uncertain Significance based on ACMG guidelines (PMID: 25741868). This variant has been reported. This variant meets the following evidence codes reported in the ACMG guidelines: PM1, PP3